The following is an entry in ClinVar:

ClinVar aggregate classification (germline): Uncertain significance (1 of 4 stars; one submission).

Allele frequency attached by ClinVar (database versions not stated): gnomAD exomes below 0.00001; TOPMed 0.00001; ExAC 0.00002.
gnomAD v4.1: 9 of 1,610,956 alleles (0.00056%); highest among the groups gnomAD compares: Non-Finnish European, 0.00076%; no homozygotes.

Submission:

Labcorp Genetics (formerly Invitae), Labcorp
Classification: Uncertain significance. Last evaluated: 2023-12-01. Review status: criteria provided, single submitter. Criteria: Invitae Variant Classification Sherloc (09022015). Collection method: clinical testing. Allele origin: germline.
Comment: This sequence change replaces serine, which is neutral and polar, with arginine, which is basic and polar, at codon 1907 of the DCHS1 protein (p.Ser1907Arg). This variant is present in population databases (rs760159476, gnomAD 0.0009%). This variant has not been reported in the literature in individuals affected with DCHS1-related conditions. ClinVar contains an entry for this variant (Variation ID: 1479925). Advanced modeling of protein sequence and biophysical properties (such as structural, functional, and spatial information, amino acid conservation, physicochemical variation, residue mobility, and thermodynamic stability) performed at Invitae indicates that this missense variant is expected to disrupt DCHS1 protein function with a positive predictive value of 80%. In summary, the available evidence is currently insufficient to determine the role of this variant in disease. Therefore, it has been classified as a Variant of Uncertain Significance.

NM_003737.4(DCHS1):c.5719A>C (p.Ser1907Arg)

Gene: DCHS1 (dachsous cadherin-related 1; minus strand). Cytogenetic location: 11p15.4.
Variant type: single nucleotide variant.
Coding change: c.5719A>C on transcript NM_003737.4 (MANE Select); coding-DNA position 5719, A replaced by C.
Protein change: p.Ser1907Arg; replaces serine 1907 with arginine.
Molecular consequence: missense variant.
Genome position (GRCh38, 1-based): chr11:6,627,320, T>G on the plus strand (A>C on the coding strand, the complement: DCHS1 is on the minus strand). VCF-style: chr11-6627320-T-G. GRCh37 (hg19) VCF-style: chr11-6648551-T-G.
Other names: short protein forms S1907R.
Identifiers: ClinVar variation 1479925 (VCV001479925.8), dbSNP rs760159476, ClinGen allele CA5860040.